The following is an entry in ClinVar:

NM_004593.3(TRA2B):c.110C>G (p.Ser37Cys)

Gene: TRA2B (transformer 2 beta homolog; minus strand). Cytogenetic location: 3q27.2.
Variant type: single nucleotide variant.
Coding change: c.110C>G on transcript NM_004593.3 (MANE Select); coding-DNA position 110, C replaced by G.
Protein change: p.Ser37Cys; replaces serine 37 with cysteine.
Molecular consequence: missense variant. On other transcripts: intron variant (1).
Genome position (GRCh38, 1-based): chr3:185,926,661, G>C on the plus strand (C>G on the coding strand, the complement: TRA2B is on the minus strand). VCF-style: chr3-185926661-G-C. GRCh37 (hg19) VCF-style: chr3-185644449-G-C.
Other names: c.-130-1035C>G (NM_001243879.2); short protein forms S37C.
Identifiers: ClinVar variation 3901351 (VCV003901351.1).

ClinVar aggregate classification (germline): Uncertain significance (1 of 4 stars; one submission).

Submission:

GeneDx
Classification: Uncertain significance. Last evaluated: 2024-12-04. Review status: criteria provided, single submitter. Criteria: GeneDx Variant Classification Process June 2021. Collection method: clinical testing. Allele origin: germline. Affected: yes.
Comment: Not observed at significant frequency in large population cohorts (gnomAD); In silico analysis supports that this missense variant has a deleterious effect on protein structure/function; Has not been previously published as pathogenic or benign to our knowledge